The following is an entry in ClinVar:

NM_004612.4(TGFBR1):c.156G>T (p.Gly52=)

Gene: TGFBR1 (transforming growth factor beta receptor 1; plus strand). Cytogenetic location: 9q22.33.
Variant type: single nucleotide variant.
Coding change: c.156G>T on transcript NM_004612.4 (MANE Select); coding-DNA position 156, G replaced by T.
Protein change: p.Gly52=; no amino-acid change (glycine 52 retained).
Molecular consequence: synonymous variant. On other transcripts: 5 prime UTR variant (15), non-coding transcript variant (4), intron variant (3).
Genome position (GRCh38, 1-based): chr9:99,128,913, G>T. VCF-style: chr9-99128913-G-T. GRCh37 (hg19) VCF-style: chr9-101891195-G-T.
Other names: c.-52G>T (NM_001407424.1, NM_001407419.1, NM_001407425.1 and 12 more transcripts); c.156G>T, p.Gly52= (NM_001130916.3, NM_001306210.2, NM_001407416.1 and 2 more transcripts); c.98-3596G>T (NM_001407436.1); c.98-8946G>T (NM_001407438.1); c.98-13623G>T (NM_001407437.1).
Identifiers: ClinVar variation 3176661 (VCV003176661.2), dbSNP rs761368421, ClinGen allele CA466648220.

ClinVar aggregate classification (germline): Uncertain significance. Review status: criteria provided, multiple submitters, no conflicts (2 of 4 stars). 2 submissions from 2 submitters: Uncertain significance (2). Last evaluated 2025-10-03.

Conditions:
Familial thoracic aortic aneurysm and aortic dissection (TAAD). Also called: Thoracic aortic aneurysms and dissections. Identifiers: Orphanet 91387, MedGen C4707243, MONDO:0019625.

Allele frequency attached by ClinVar (database versions not stated): TOPMed below 0.00001.
gnomAD v4.1: 2 of 1,613,710 alleles (0.00012%); highest among the groups gnomAD compares: African/African-American, 0.0027%; no homozygotes.

Submissions (2):

Labcorp Genetics (formerly Invitae), Labcorp
Classification: Uncertain significance for Familial thoracic aortic aneurysm and aortic dissection. Last evaluated: 2025-10-03. Review status: criteria provided, single submitter. Criteria: Invitae Variant Classification Sherloc (09022015). Collection method: clinical testing. Allele origin: germline.
Comment: This sequence change affects codon 52 of the TGFBR1 mRNA. It is a 'silent' change, meaning that it does not change the encoded amino acid sequence of the TGFBR1 protein. This variant is not present in population databases (gnomAD no frequency). This variant has not been reported in the literature in individuals affected with TGFBR1-related conditions. ClinVar contains an entry for this variant (Variation ID: 3176661). Algorithms developed to predict the effect of sequence changes on RNA splicing suggest that this variant may create or strengthen a splice site. In summary, the available evidence is currently insufficient to determine the role of this variant in disease. Therefore, it has been classified as a Variant of Uncertain Significance.

Ambry Genetics
Classification: Uncertain significance for Familial thoracic aortic aneurysm and aortic dissection. Last evaluated: 2022-03-21. Review status: criteria provided, single submitter. Criteria: Ambry Variant Classification Scheme 2023. Collection method: clinical testing. Allele origin: germline.
Comment: The c.156G>T (p.G52G) alteration is located in exon 2 (coding exon 2) of the TGFBR1 gene. This alteration consists of a G to T substitution at nucleotide position 156. This nucleotide substitution does not change the amino acid at codon 52. However, this change occurs in the last nucleotide of Exon 2 (c.98_343) which makes it likely to have some effect on normal mRNA splicing. Based on insufficient or conflicting evidence, the clinical significance of this alteration remains unclear.